The following is an entry in ClinVar:

ClinVar aggregate classification (germline): Conflicting classifications of pathogenicity. Review status: criteria provided, conflicting classifications (1 of 4 stars). 8 submissions from 6 submitters: Uncertain significance (4); Benign (1); Likely benign (3). Last evaluated 2025-12-29.

Conditions:
Cardiovascular phenotype. Identifiers: MedGen CN230736.
Arrhythmogenic right ventricular dysplasia 8 (ARVD8). Also called: ARRHYTHMOGENIC RIGHT VENTRICULAR DYSPLASIA, FAMILIAL, 8; ARRHYTHMOGENIC RIGHT VENTRICULAR CARDIOMYOPATHY 8; Arrhythmogenic Right Ventricular Dysplasia/Cardiomyopathy 8. Identifiers: MedGen C1843896, MONDO:0011831, OMIM 607450.
Arrhythmogenic cardiomyopathy with wooly hair and keratoderma. Also called: Arrhythmogenic cardiomyopathy with woolly hair and keratoderma; Carvajal syndrome; Dilated cardiomyopathy with woolly hair and keratoderma; PALMOPLANTAR KERATODERMA WITH LEFT VENTRICULAR CARDIOMYOPATHY AND WOOLLY HAIR. Identifiers: Orphanet 65282, MedGen C1854063, MONDO:0011581, OMIM 605676.
Cardiomyopathy (CMYO). Also called: Cardiomyopathies. Identifiers: Orphanet 167848, MedGen C0878544, MONDO:0004994, HP:0001638. Inheritance: Various modes of inheritance.
Woolly hair-skin fragility syndrome (WHSF). Identifiers: Orphanet 293165, MedGen C1843292, MONDO:0957307, OMIM 620415.
Lethal acantholytic epidermolysis bullosa (EBLA). Identifiers: Orphanet 158687, MedGen C1864826, MONDO:0012323, OMIM 609638.

Allele frequency attached by ClinVar (database versions not stated): gnomAD 0.00004 and below 0.00001; gnomAD exomes 0.00012 and 0.00020; ExAC 0.00021; TOPMed 0.00001.
gnomAD v4.1: 173 of 1,613,998 alleles (0.011%); highest among the groups gnomAD compares: South Asian, 0.18%; 1 homozygote.

Submissions (8):

Labcorp Genetics (formerly Invitae), Labcorp
Classification: Benign for Arrhythmogenic cardiomyopathy with wooly hair and keratoderma; Arrhythmogenic right ventricular dysplasia 8. Last evaluated: 2025-12-29. Review status: criteria provided, single submitter. Criteria: Invitae Variant Classification Sherloc (09022015). Collection method: clinical testing. Allele origin: germline.

Blueprint Genetics
Classification: Likely benign. Last evaluated: 2024-11-18. Review status: criteria provided, single submitter. Criteria: ACMG Guidelines, 2015. Collection method: clinical testing. Allele origin: germline.

Ambry Genetics
Classification: Likely benign for Cardiovascular phenotype. Last evaluated: 2023-10-12. Review status: criteria provided, single submitter. Criteria: Ambry Variant Classification Scheme 2023. Collection method: clinical testing. Allele origin: germline.

GeneDx
Classification: Uncertain significance. Last evaluated: 2023-03-03. Review status: criteria provided, single submitter. Criteria: GeneDx Variant Classification Process June 2021. Collection method: clinical testing. Allele origin: germline. Affected: yes.
Comment: Has not been previously published as pathogenic or benign to our knowledge; In silico analysis supports that this missense variant has a deleterious effect on protein structure/function

Color Diagnostics, LLC DBA Color Health
Classification: Likely benign for Cardiomyopathy. Last evaluated: 2018-11-27. Review status: criteria provided, single submitter. Criteria: ACMG Guidelines, 2015. Collection method: clinical testing. Allele origin: germline.

Illumina Laboratory Services, Illumina
Classification: Uncertain significance for Arrhythmogenic cardiomyopathy with wooly hair and keratoderma. Last evaluated: 2017-04-28. Review status: criteria provided, single submitter. Criteria: ICSL Variant Classification Criteria 13 December 2019. Collection method: clinical testing. Allele origin: germline.

Illumina Laboratory Services, Illumina
Classification: Uncertain significance for Arrhythmogenic right ventricular dysplasia 8. Last evaluated: 2017-04-28. Review status: criteria provided, single submitter. Criteria: ICSL Variant Classification Criteria 13 December 2019. Collection method: clinical testing. Allele origin: germline.

Illumina Laboratory Services, Illumina
Classification: Uncertain significance for Lethal acantholytic epidermolysis bullosa. Last evaluated: 2017-04-28. Review status: criteria provided, single submitter. Criteria: ICSL Variant Classification Criteria 13 December 2019. Collection method: clinical testing. Allele origin: germline.

NM_004415.4(DSP):c.2765C>T (p.Thr922Ile)

Gene: DSP (desmoplakin; plus strand). Cytogenetic location: 6p24.3.
Variant type: single nucleotide variant.
Coding change: c.2765C>T on transcript NM_004415.4 (MANE Select); coding-DNA position 2765, C replaced by T.
Protein change: p.Thr922Ile; replaces threonine 922 with isoleucine.
Molecular consequence: missense variant.
Genome position (GRCh38, 1-based): chr6:7,576,428, C>T. VCF-style: chr6-7576428-C-T. GRCh37 (hg19) VCF-style: chr6-7576661-C-T.
Other names: p.T922I:ACA>ATA; c.2765C>T, p.Thr922Ile (NM_001008844.3, NM_001319034.2); c.2765C>T (LRG_423t1); short protein forms T922I.
Identifiers: ClinVar variation 199874 (VCV000199874.16), dbSNP rs755099716, ClinGen allele CA005581.